The following is an entry in ClinVar:

ClinVar aggregate classification (germline): Uncertain significance. Review status: criteria provided, multiple submitters, no conflicts (2 of 4 stars). 8 submissions from 8 submitters: Uncertain significance (8). Last evaluated 2026-06-30.

Conditions:
MYH7-related disorder. Also called: MYH7-related condition; MYH7-related disease; MYH7-related disorders.
Myosin storage myopathy (CMYO7A). Also called: MYOPATHY WITH LYSIS OF TYPE I MYOFIBRILS; MYOPATHY, HYALINE BODY, AUTOSOMAL DOMINANT; Scapuloperoneal myopathy, MYH7-related; MYH7-related late-onset scapuloperoneal muscular dystrophy; Congenital myopathy 7A, myosin storage, autosomal dominant; SCAPULOPERONEAL MUSCULAR DYSTROPHY. Identifiers: Orphanet 437572, Orphanet 636965, MedGen C1842160, MONDO:0008409, OMIM 608358.
Cardiovascular phenotype. Identifiers: MedGen CN230736.
Arrhythmogenic right ventricular cardiomyopathy (ARVD). Also called: Cardiomyopathy, ARVC; Arrhythmogenic right ventricular dysplasia; Arrhythmogenic Right Ventricular Cardiomyopathy (ARVC); Arrhythmogenic cardiomyopathy. Identifiers: Orphanet 247, MedGen C0349788, MeSH D019571, MONDO:0016587. Disease mechanism: loss of function. Inheritance: Various modes of inheritance.
Cardiomyopathy (CMYO). Also called: Cardiomyopathies. Identifiers: Orphanet 167848, MedGen C0878544, MONDO:0004994, HP:0001638. Inheritance: Various modes of inheritance.
Hypertrophic cardiomyopathy. Also called: HYPERTROPHIC MYOCARDIOPATHY. Identifiers: Orphanet 217569, MedGen C0007194, MeSH D002312, MONDO:0005045, HP:0001639.

Allele frequency attached by ClinVar (database versions not stated): gnomAD exomes 0.00001; ExAC 0.00002; gnomAD 0.00003; TOPMed 0.00005; 1000 Genomes Project 30x 0.00016; 1000 Genomes Project 0.00020.
gnomAD v4.1: 31 of 1,614,236 alleles (0.0019%); highest among the groups gnomAD compares: East Asian, 0.0067%; no homozygotes.

Submissions (8):

PreventionGenetics, part of Exact Sciences
Classification: Uncertain significance for MYH7-related condition. Last evaluated: 2026-06-30. Review status: criteria provided, single submitter. Criteria: ACMG Guidelines, 2015. Collection method: clinical testing. Allele origin: germline.
Comment: The MYH7 c.2599G>A variant is predicted to result in the amino acid substitution p.Glu867Lys. To our knowledge, this variant has not been reported in the literature in individuals with MYH7-related disorders. This variant is reported in 0.0040% of alleles in individuals of African descent in gnomAD. At this time, the clinical significance of this variant is uncertain due to the absence of conclusive functional and genetic evidence.

Genomic Medicine Center of Excellence, King Faisal Specialist Hospital and Research Centre
Classification: Uncertain significance for Myosin storage myopathy. Last evaluated: 2025-09-10. Review status: criteria provided, single submitter. Criteria: ACMG Guidelines, 2015. Collection method: clinical testing. Allele origin: germline.

Labcorp Genetics (formerly Invitae), Labcorp
Classification: Uncertain significance for Hypertrophic cardiomyopathy. Last evaluated: 2025-01-15. Review status: criteria provided, single submitter. Criteria: Invitae Variant Classification Sherloc (09022015). Collection method: clinical testing. Allele origin: germline.
Comment: This sequence change replaces glutamic acid, which is acidic and polar, with lysine, which is basic and polar, at codon 867 of the MYH7 protein (p.Glu867Lys). This variant is present in population databases (rs558673680, gnomAD 0.006%). This missense change has been observed in individual(s) with dilated cardiomyopathy (internal data). ClinVar contains an entry for this variant (Variation ID: 164323). Invitae Evidence Modeling of protein sequence and biophysical properties (such as structural, functional, and spatial information, amino acid conservation, physicochemical variation, residue mobility, and thermodynamic stability) indicates that this missense variant is expected to disrupt MYH7 protein function with a positive predictive value of 95%. In summary, the available evidence is currently insufficient to determine the role of this variant in disease. Therefore, it has been classified as a Variant of Uncertain Significance.

Ambry Genetics
Classification: Uncertain significance for Cardiovascular phenotype. Last evaluated: 2025-01-10. Review status: criteria provided, single submitter. Criteria: Ambry Variant Classification Scheme 2023. Collection method: clinical testing. Allele origin: germline.
Comment: The p.E867K variant (also known as c.2599G>A), located in coding exon 20 of the MYH7 gene, results from a G to A substitution at nucleotide position 2599. The glutamic acid at codon 867 is replaced by lysine, an amino acid with similar properties. This variant has been reported in a pediatric cardiomyopathy cohort (Ware SM et al. Am J Hum Genet, 2022 Feb;109:282-298). This amino acid position is highly conserved in available vertebrate species. In addition, the in silico prediction for this alteration is inconclusive. Since supporting evidence is limited at this time, the clinical significance of this alteration remains unclear.

All of Us Research Program, National Institutes of Health
Classification: Uncertain significance for Cardiomyopathy. Last evaluated: 2024-04-25. Review status: criteria provided, single submitter. Criteria: ACMG Guidelines, 2015. Collection method: clinical testing. Allele origin: germline. Inheritance: Autosomal dominant inheritance. Observed: 11 variant alleles, 11 heterozygotes.
Comment: This missense variant replaces glutamic acid with lysine at codon 867 of the MYH7 protein. Computational prediction is inconclusive regarding the impact of this variant on protein structure and function (internally defined REVEL score threshold 0.5 < inconclusive < 0.7, PMID: 27666373). To our knowledge, functional studies have not been reported for this variant. This variant has not been reported in individuals affected with MYH7-related disorders in the literature. This variant has been identified in 5/282838 chromosomes in the general population by the Genome Aggregation Database (gnomAD). The available evidence is insufficient to determine the role of this variant in disease conclusively. Therefore, this variant is classified as a Variant of Uncertain Significance.

This study involves interpretation of variants in research participants for the purpose of population health screening. Participant phenotype was not available at the time of variant classification. Additional details can be found in publication PMID: 35346344, PMCID: PMC8962531

Color Diagnostics, LLC DBA Color Health
Classification: Uncertain significance for Cardiomyopathy. Last evaluated: 2024-04-11. Review status: criteria provided, single submitter. Criteria: ACMG Guidelines, 2015. Collection method: clinical testing. Allele origin: germline.
Comment: This missense variant replaces glutamic acid with lysine at codon 867 of the MYH7 protein. Computational prediction is inconclusive regarding the impact of this variant on protein structure and function. To our knowledge, functional studies have not been reported for this variant. This variant has not been reported in individuals affected with MYH7-related disorders in the literature. This variant has been identified in 5/282838 chromosomes in the general population by the Genome Aggregation Database (gnomAD). The available evidence is insufficient to determine the role of this variant in disease conclusively. Therefore, this variant is classified as a Variant of Uncertain Significance.

Center for Advanced Laboratory Medicine, UC San Diego Health, University of California San Diego
Classification: Uncertain significance for Arrhythmogenic right ventricular cardiomyopathy. Last evaluated: 2019-03-25. Review status: criteria provided, single submitter. Criteria: ACMG Guidelines, 2015. Collection method: clinical testing. Allele origin: germline. Affected: yes. Observed: 1 variant allele.

Laboratory for Molecular Medicine, Mass General Brigham Personalized Medicine
Classification: Uncertain significance. Last evaluated: 2015-07-02. Review status: criteria provided, single submitter. Criteria: LMM Criteria. Collection method: clinical testing. Allele origin: germline. Observed: 4 variant alleles.
Comment: The p.Glu867Lys variant in MYH7 has been identified by our laboratory in 1 infan t with RCM and concentric LVH and 1 teenager with ARVC. Both of these individual s carried a second likely pathogenic variant in another gene sufficient to expla in their disease. The p.Gly867Lys variant has also been identified in 1/10402 Af rican chromosomes and 1/11576 Latino chromosomes by the Exome Aggregation Consor tium (ExAC; dbSNP rs558673680). Computational pr ediction tools and conservation analysis do not provide strong support for or ag ainst an impact to the protein. In summary, the clinical significance of the p.G lu867Lys variant is uncertain.

Literature cited by the submitters: PubMed 35026164 (cited by Ambry Genetics).

NM_000257.4(MYH7):c.2599G>A (p.Glu867Lys)

Genes: MYH7 (myosin heavy chain 7; minus strand), LOC126861898 (BRD4-independent group 4 enhancer GRCh37_chr14:23893609-23894808; plus strand). Cytogenetic location: 14q11.2.
Variant type: single nucleotide variant.
Coding change: c.2599G>A on transcript NM_000257.4 (MANE Select); coding-DNA position 2599, G replaced by A.
Protein change: p.Glu867Lys; replaces glutamic acid 867 with lysine.
Molecular consequence: missense variant.
Genome position (GRCh38, 1-based): chr14:23,424,849, C>T on the plus strand (G>A on the coding strand, the complement: MYH7 is on the minus strand). VCF-style: chr14-23424849-C-T. GRCh37 (hg19) VCF-style: chr14-23894058-C-T.
Other names: short protein forms E867K.
Identifiers: ClinVar variation 164323 (VCV000164323.25), dbSNP rs558673680, ClinGen allele CA012692.